The following is an entry in ClinVar:

NM_001001331.4(ATP2B2):c.1891G>A (p.Val631Met)

Gene: ATP2B2 (ATPase plasma membrane Ca2+ transporting 2; minus strand). Cytogenetic location: 3p25.3.
Variant type: single nucleotide variant.
Coding change: c.1891G>A on transcript NM_001001331.4 (MANE Select); coding-DNA position 1891, G replaced by A.
Protein change: p.Val631Met; replaces valine 631 with methionine.
Molecular consequence: missense variant.
Genome position (GRCh38, 1-based): chr3:10,359,892, C>T on the plus strand (G>A on the coding strand, the complement: ATP2B2 is on the minus strand). VCF-style: chr3-10359892-C-T. GRCh37 (hg19) VCF-style: chr3-10401576-C-T.
Other names: c.1756G>A, p.Val586Met (NM_001330611.3, NM_001353564.1, NM_001363862.1 and 1 more transcripts); short protein forms V586M, V631M.
Identifiers: ClinVar variation 17801 (VCV000017801.42), dbSNP rs61736451, ClinGen allele CA127431.

ClinVar aggregate classification (germline): Benign. Review status: criteria provided, multiple submitters, no conflicts (2 of 4 stars). 6 submissions from 6 submitters: Benign (4). 2 of the submissions do not count toward it. Last evaluated 2026-09-01.

Conditions:
ATP2B2-related disorder. Also called: ATP2B2-related condition.
Deafness, autosomal recessive 12, modifier of. Identifiers: MedGen CN260149.
Agenesis of the corpus callosum with peripheral neuropathy (ACCPN). Also called: CHARLEVOIX DISEASE; HMSN/ACC; Hereditary Motor and Sensory Neuropathy with Agenesis of the Corpus Callosum; POLYNEUROPATHY, SENSORIMOTOR, WITH OR WITHOUT AGENESIS OF THE CORPUS CALLOSUM. Identifiers: Orphanet 1496, MedGen C0795950, MONDO:0000902, OMIM 218000. Disease mechanism: loss of function.

Allele frequency attached by ClinVar (database versions not stated): 1000 Genomes Project 0.00799; 1000 Genomes Project 30x 0.00874; gnomAD 0.00554; TOPMed 0.00823.
gnomAD v4.1: 15,227 of 1,614,226 alleles (0.94%); highest among the groups gnomAD compares: Admixed American, 4.1%; 143 homozygotes.

Submissions (6):

CeGaT Center for Human Genetics Tuebingen
Classification: Benign. Last evaluated: 2026-09-01. Review status: criteria provided, single submitter. Criteria: CeGaT Center For Human Genetics Tuebingen Variant Classification Criteria Version 2. Collection method: clinical testing. Allele origin: germline. Affected: yes. Observed: 16 variant alleles.
Comment: ATP2B2: BS1, BS2

Labcorp Genetics (formerly Invitae), Labcorp
Classification: Benign. Last evaluated: 2026-02-01. Review status: criteria provided, single submitter. Criteria: Invitae Variant Classification Sherloc (09022015). Collection method: clinical testing. Allele origin: germline.

Breakthrough Genomics
Classification: Benign. Review status: criteria provided, single submitter. Criteria: ACMG Guidelines, 2015. Collection method: not provided. Allele origin: germline. Inheritance: Autosomal recessive inheritance. Affected: yes.

Broad Center for Mendelian Genomics, Broad Institute of MIT and Harvard
Classification: Benign for Agenesis of the corpus callosum with peripheral neuropathy. Review status: criteria provided, single submitter. Criteria: ACMG Guidelines, 2015. Collection method: research. Allele origin: germline. Affected: yes.
Comment: The heterozygous p.Val586Met variant, sometimes called p.Val631Met due to a difference in cDNA numbering, in ATP2B2 has been identified in at least 5 individuals with hearing loss, including 3 siblings from 1 family (PMID: 15829536). Of note, 2 additional siblings in the same family did not have this variant and are less severely affected by disease. All 5 siblings were reported to be homozygous for a separate, causal variant in CDH23 (PMID: 15829536). This variant has also been identified in >4% of Latino chromosomes and 22 homozygotes by ExAC. In vitro functional studies provide some evidence that the p.Val586Met variant may have a mild impact on protein function (PMID: 22047666). However, these types of assays may not accurately represent biological function. In summary, this variant meets criteria to be classified as benign for autosomal recessive deafness but may modify disease.

PreventionGenetics, part of Exact Sciences
Classification: Benign for ATP2B2-related condition. Last evaluated: 2019-06-20. Review status: no assertion criteria provided. Collection method: clinical testing. Allele origin: germline. Not counted in ClinVar's aggregate classification.
Comment: This variant is classified as benign based on ACMG/AMP sequence variant interpretation guidelines (Richards et al. 2015 PMID: 25741868, with internal and published modifications).

OMIM
Classification: Benign for RECLASSIFIED - ATP2B2 POLYMORPHISM. Last evaluated: 2005-04-14. Review status: no assertion criteria provided. Collection method: literature only. Allele origin: germline. Not counted in ClinVar's aggregate classification.

Literature cited by the submitters: PubMed 15829536 (cited by Broad Center for Mendelian Genomics, Broad Institute of MIT and Harvard and OMIM); PubMed 22047666 (cited by Broad Center for Mendelian Genomics, Broad Institute of MIT and Harvard); PubMed 27535533 (cited by OMIM); Hamosh, A. Personal Communication. 2025. Baltimore, Md. (cited by OMIM).